The following is an entry in ClinVar:

NM_004990.4(MARS1):c.1226G>T (p.Gly409Val)

Gene: MARS1 (methionyl-tRNA synthetase 1; plus strand). Cytogenetic location: 12q13.3.
Variant type: single nucleotide variant.
Coding change: c.1226G>T on transcript NM_004990.4 (MANE Select); coding-DNA position 1226, G replaced by T.
Protein change: p.Gly409Val; replaces glycine 409 with valine.
Molecular consequence: missense variant.
Genome position (GRCh38, 1-based): chr12:57,500,455, G>T. VCF-style: chr12-57500455-G-T. GRCh37 (hg19) VCF-style: chr12-57894238-G-T.
Other names: p.Gly409Val; short protein forms G409V.
Identifiers: ClinVar variation 2683207 (VCV002683207.1), dbSNP rs2540291054, ClinGen allele CA385458274.
Genomic context (GRCh38, chr12:57,500,455, plus strand): 5'-GTGAGCACTGTGCTCGCTTCCTGGCTGACCGCTTCGTGGAGGGCGTGTGTCCCTTCTGTG[G>T]CTATGAGGAGGCTCGGGGTGACCAGTGTGACAAGTGTGGCAAGCTCATCAATGCTGTCGA-3'
Protein context (NP_004981.2, residues 399-419): RFVEGVCPFC[Gly409Val]YEEARGDQCD

ClinVar aggregate classification (germline): Uncertain significance (1 of 4 stars; one submission).

Submission:

Mayo Clinic Laboratories, Mayo Clinic
Classification: Uncertain significance. Last evaluated: 2023-03-29. Review status: criteria provided, single submitter. Criteria: ACMG Guidelines, 2015. Collection method: clinical testing. Allele origin: germline. Observed: 1 variant allele.
Comment: PM2